The following is an entry in ClinVar:

ClinVar aggregate classification (germline): Conflicting classifications of pathogenicity. Review status: criteria provided, conflicting classifications (1 of 4 stars). 4 submissions from 4 submitters: Uncertain significance (1); Likely benign (2). 1 of the submissions does not count toward it. Last evaluated 2024-11-07.

Conditions:
SMCHD1-related disorder. Also called: SMCHD1-related condition.
Facioscapulohumeral muscular dystrophy 2 (FSHD2). Also called: FACIOSCAPULOHUMERAL MUSCULAR DYSTROPHY 2, DIGENIC; FSHD2, DIGENIC; MUSCULAR DYSTROPHY, FACIOSCAPULOHUMERAL, TYPE 1B. Identifiers: Orphanet 269, MedGen C1834671, MONDO:0008031, OMIM 158901.

Submissions (4):

Blueprint Genetics
Classification: Likely benign. Last evaluated: 2024-11-07. Review status: criteria provided, single submitter. Criteria: ACMG Guidelines, 2015. Collection method: clinical testing. Allele origin: germline.

Labcorp Genetics (formerly Invitae), Labcorp
Classification: Likely benign for Facioscapulohumeral muscular dystrophy 2. Last evaluated: 2023-09-08. Review status: criteria provided, single submitter. Criteria: Invitae Variant Classification Sherloc (09022015). Collection method: clinical testing. Allele origin: germline.

Eurofins Ntd Llc (ga)
Classification: Uncertain significance. Last evaluated: 2016-11-21. Review status: criteria provided, single submitter. Criteria: EGL Classification Definitions 2015. Collection method: clinical testing. Allele origin: germline. Observed: 1 variant allele, 1 heterozygote.

PreventionGenetics, part of Exact Sciences
Classification: Likely benign for SMCHD1-related condition. Last evaluated: 2024-03-25. Review status: no assertion criteria provided. Collection method: clinical testing. Allele origin: germline. Not counted in ClinVar's aggregate classification.
Comment: This variant is classified as likely benign based on ACMG/AMP sequence variant interpretation guidelines (Richards et al. 2015 PMID: 25741868, with internal and published modifications).

NM_015295.3(SMCHD1):c.4282-5dup

Gene: SMCHD1 (structural maintenance of chromosomes flexible hinge domain containing 1; plus strand). Cytogenetic location: 18p11.32.
Variant type: Duplication.
Coding change: c.4282-5dup on transcript NM_015295.3 (MANE Select); 5 bases into the intron before coding-DNA position 4282, one base duplicated (T; older notation c.4282-5dupT).
Molecular consequence: intron variant.
Genome position (GRCh38, 1-based): chr18:2,752,483, T duplicated; the last of 3 consecutive T bases (chr18:2,752,481-2,752,483); duplicating any one gives the same sequence. VCF-style (leftmost placement, unchanged base first): chr18-2752480-C-CT. GRCh37 (hg19) VCF-style: chr18-2752478-C-CT.
Other names: c.4282-5dupT (NM_015295.2).
Identifiers: ClinVar variation 498374 (VCV000498374.14), dbSNP rs752013568, ClinGen allele CA8871440.